The following is an entry in ClinVar:

NM_031935.3(HMCN1):c.79C>G (p.Gln27Glu)

Gene: HMCN1 (hemicentin 1; plus strand). Cytogenetic location: 1q25.3.
Variant type: single nucleotide variant.
Coding change: c.79C>G on transcript NM_031935.3 (MANE Select); coding-DNA position 79, C replaced by G.
Protein change: p.Gln27Glu; replaces glutamine 27 with glutamic acid.
Molecular consequence: missense variant.
Genome position (GRCh38, 1-based): chr1:185,734,858, C>G. VCF-style: chr1-185734858-C-G. GRCh37 (hg19) VCF-style: chr1-185703990-C-G.
Other names: short protein forms Q27E.
Identifiers: ClinVar variation 2862221 (VCV002862221.3), dbSNP rs2526220504, ClinGen allele CA344058024.

ClinVar aggregate classification (germline): Uncertain significance (1 of 4 stars; one submission).

Submission:

Labcorp Genetics (formerly Invitae), Labcorp
Classification: Uncertain significance. Last evaluated: 2023-05-05. Review status: criteria provided, single submitter. Criteria: Invitae Variant Classification Sherloc (09022015). Collection method: clinical testing. Allele origin: germline.
Comment: Algorithms developed to predict the effect of missense changes on protein structure and function output the following: SIFT: "Not Available"; PolyPhen-2: "Benign"; Align-GVGD: "Not Available". The glutamic acid amino acid residue is found in multiple mammalian species, which suggests that this missense change does not adversely affect protein function. In summary, the available evidence is currently insufficient to determine the role of this variant in disease. Therefore, it has been classified as a Variant of Uncertain Significance. This variant has not been reported in the literature in individuals affected with HMCN1-related conditions. This sequence change replaces glutamine, which is neutral and polar, with glutamic acid, which is acidic and polar, at codon 27 of the HMCN1 protein (p.Gln27Glu). This variant is not present in population databases (gnomAD no frequency).